The following is an entry in ClinVar:

NM_000260.4(MYO7A):c.1085_1099del (p.Asn362_Leu366del)

Gene: MYO7A (myosin VIIA; plus strand). Cytogenetic location: 11q13.5.
Variant type: Deletion.
Coding change: c.1085_1099del on transcript NM_000260.4 (MANE Select); coding-DNA positions 1085 to 1099, 15 bases deleted (ACCCCCCAGACCTGA).
Protein change: p.Asn362_Leu366del.
Molecular consequence: inframe deletion.
Genome position (GRCh38, 1-based): chr11:77,160,167-77,160,181, ACCCCCCAGACCTGA deleted; deleting any 15 consecutive bases within chr11:77,160,164-77,160,181 gives the same sequence; the c. name uses the placement nearest the transcript's 3' end. VCF-style (leftmost placement, unchanged base first): chr11-77160163-GTGAACCCCCCAGACC-G. GRCh37 (hg19) VCF-style: chr11-76871209-GTGAACCCCCCAGACC-G.
Other names: c.1085_1099del, p.Asn362_Leu366del (NM_001127180.2); c.1052_1066del, p.Asn351_Leu355del (NM_001369365.1).
Identifiers: ClinVar variation 4727777 (VCV004727777.1).

ClinVar aggregate classification (germline): Pathogenic (1 of 4 stars; one submission).

Submission:

Labcorp Genetics (formerly Invitae), Labcorp
Classification: Pathogenic. Last evaluated: 2025-10-16. Review status: criteria provided, single submitter. Criteria: Invitae Variant Classification Sherloc (09022015). Collection method: clinical testing. Allele origin: germline.
Comment: This variant, c.1085_1099del, results in the deletion of 5 amino acid(s) of the MYO7A protein (p.Asn362_Leu366del), but otherwise preserves the integrity of the reading frame. This variant is not present in population databases (gnomAD no frequency). This variant has not been reported in the literature in individuals affected with MYO7A-related conditions. This variant disrupts a region of the MYO7A protein in which other variant(s) (p.Leu366Pro) have been determined to be pathogenic (PMID: 17361009, 27460420). This suggests that this is a clinically significant region of the protein, and that variants that disrupt it are likely to be disease-causing. For these reasons, this variant has been classified as Pathogenic.

Literature cited by the submitters: PubMed 17361009; PubMed 27460420.